The following is an entry in ClinVar:

NM_198060.4(NRAP):c.49G>T (p.Glu17Ter)

Gene: NRAP (nebulin related anchoring protein; minus strand). Cytogenetic location: 10q25.3.
Variant type: single nucleotide variant.
Coding change: c.49G>T on transcript NM_198060.4 (MANE Select); coding-DNA position 49, G replaced by T.
Protein change: p.Glu17Ter; replaces glutamic acid 17 with a stop codon.
Molecular consequence: nonsense.
Genome position (GRCh38, 1-based): chr10:113,663,834, C>A on the plus strand (G>T on the coding strand, the complement: NRAP is on the minus strand). VCF-style: chr10-113663834-C-A. GRCh37 (hg19) VCF-style: chr10-115423593-C-A.
Other names: c.49G>T, p.Glu17Ter (NM_001261463.2, NM_001322945.2, NM_006175.5); short protein forms E17*.
Identifiers: ClinVar variation 4997141 (VCV004997141.1).
Genomic context (GRCh38, chr10:113,663,834, plus strand): 5'-TGTTATTATTCACAAAAGCCAAGAAATGTCTACTGACCTGATCTATACAGCTGATCTTCT[C>A]GGCAGGATAAACCCCATACCCACACCTAGAACAGGGCTGCACATTCATCTCGAAGCCGGA-3'

ClinVar aggregate classification (germline): Likely pathogenic (1 of 4 stars; one submission).

Conditions:
NRAP-related disorder. Also called: NRAP-related condition.

Submission:

PreventionGenetics, part of Exact Sciences
Classification: Likely pathogenic for NRAP-related condition. Last evaluated: 2024-10-04. Review status: criteria provided, single submitter. Criteria: ACMG Guidelines, 2015. Collection method: clinical testing. Allele origin: germline.
Comment: The NRAP c.49G>T variant is predicted to result in premature protein termination (p.Glu17*). To our knowledge, this variant has not been reported in the literature. This variant is reported in 0.0080% of alleles in individuals of African descent in gnomAD. Nonsense variants in NRAP are expected to be pathogenic. This variant is interpreted as likely pathogenic.